The following is an entry in ClinVar:

ClinVar aggregate classification (germline): Uncertain significance. Review status: criteria provided, multiple submitters, no conflicts (2 of 4 stars). 2 submissions from 2 submitters: Uncertain significance (2). Last evaluated 2022-04-25.

Allele frequency attached by ClinVar (database versions not stated): gnomAD 0.00001; TOPMed 0.00001; ExAC 0.00002; gnomAD exomes 0.00003.
gnomAD v4.1: 52 of 1,613,886 alleles (0.0032%); highest among the groups gnomAD compares: Non-Finnish European, 0.0042%; no homozygotes.

Submissions (2):

Blueprint Genetics
Classification: Uncertain significance. Last evaluated: 2022-04-25. Review status: criteria provided, single submitter. Criteria: ACMG Guidelines, 2015. Collection method: clinical testing. Allele origin: germline.

Labcorp Genetics (formerly Invitae), Labcorp
Classification: Uncertain significance. Last evaluated: 2021-08-31. Review status: criteria provided, single submitter. Criteria: Invitae Variant Classification Sherloc (09022015). Collection method: clinical testing. Allele origin: germline.
Comment: This sequence change replaces glutamic acid with glycine at codon 3441 of the USH2A protein (p.Glu3441Gly). The glutamic acid residue is highly conserved and there is a moderate physicochemical difference between glutamic acid and glycine. This variant is present in population databases (rs753177276, ExAC 0.004%). This variant has not been reported in the literature in individuals affected with USH2A-related conditions. Algorithms developed to predict the effect of missense changes on protein structure and function output the following: SIFT: "Deleterious"; PolyPhen-2: "Benign"; Align-GVGD: "Class C65". The glycine amino acid residue is found in multiple mammalian species, which suggests that this missense change does not adversely affect protein function. In summary, the available evidence is currently insufficient to determine the role of this variant in disease. Therefore, it has been classified as a Variant of Uncertain Significance.

NM_206933.4(USH2A):c.10322A>G (p.Glu3441Gly)

Gene: USH2A (usherin; minus strand). Cytogenetic location: 1q41.
Variant type: single nucleotide variant.
Coding change: c.10322A>G on transcript NM_206933.4 (MANE Select); coding-DNA position 10322, A replaced by G.
Protein change: p.Glu3441Gly; replaces glutamic acid 3441 with glycine.
Molecular consequence: missense variant.
Genome position (GRCh38, 1-based): chr1:215,786,735, T>C on the plus strand (A>G on the coding strand, the complement: USH2A is on the minus strand). VCF-style: chr1-215786735-T-C. GRCh37 (hg19) VCF-style: chr1-215960077-T-C.
Other names: short protein forms E3441G.
Identifiers: ClinVar variation 2199221 (VCV002199221.2), dbSNP rs753177276, ClinGen allele CA1394052.